The following is an entry in ClinVar:

ClinVar aggregate classification (germline): Uncertain significance (1 of 4 stars; one submission).

Conditions:
Hereditary cancer-predisposing syndrome. Also called: Neoplastic Syndromes, Hereditary; Tumor predisposition; Hereditary Cancer Syndrome; Hereditary neoplastic syndrome. Identifiers: Orphanet 140162, MedGen C0027672, MeSH D009386, MONDO:0015356.

Submission:

Ambry Genetics
Classification: Uncertain significance for Hereditary cancer-predisposing syndrome. Last evaluated: 2025-12-15. Review status: criteria provided, single submitter. Criteria: Ambry Variant Classification Scheme 2023. Collection method: clinical testing. Allele origin: germline.
Comment: The p.L448F variant (also known as c.1344A>T), located in coding exon 5 of the BARD1 gene, results from an A to T substitution at nucleotide position 1344. The leucine at codon 448 is replaced by phenylalanine, an amino acid with highly similar properties. This amino acid position is conserved. In addition, this alteration is predicted to be deleterious by in silico analysis. Based on the available evidence, the clinical significance of this variant remains unclear.

NM_000465.4(BARD1):c.1344A>T (p.Leu448Phe)

Gene: BARD1 (BRCA1 associated RING domain 1; minus strand). Cytogenetic location: 2q35.
Variant type: single nucleotide variant.
Coding change: c.1344A>T on transcript NM_000465.4 (MANE Select); coding-DNA position 1344, A replaced by T.
Protein change: p.Leu448Phe; replaces leucine 448 with phenylalanine.
Molecular consequence: missense variant. On other transcripts: non-coding transcript variant (3), intron variant (3).
Genome position (GRCh38, 1-based): chr2:214,769,283, T>A on the plus strand (A>T on the coding strand, the complement: BARD1 is on the minus strand). VCF-style: chr2-214769283-T-A. GRCh37 (hg19) VCF-style: chr2-215634007-T-A.
Other names: c.1287A>T, p.Leu429Phe (NM_001282543.2); c.159-16728A>T (NM_001282548.2); c.216-16728A>T (NM_001282545.2); c.364+23014A>T (NM_001282549.2); short protein forms L429F, L448F.
Identifiers: ClinVar variation 4842580 (VCV004842580.1).